The following is an entry in ClinVar:

NM_000092.5(COL4A4):c.635A>T (p.Tyr212Phe)

Gene: COL4A4 (collagen type IV alpha 4 chain; minus strand). Cytogenetic location: 2q36.3.
Variant type: single nucleotide variant.
Coding change: c.635A>T on transcript NM_000092.5 (MANE Select); coding-DNA position 635, A replaced by T.
Protein change: p.Tyr212Phe; replaces tyrosine 212 with phenylalanine.
Molecular consequence: missense variant.
Genome position (GRCh38, 1-based): chr2:227,109,246, T>A on the plus strand (A>T on the coding strand, the complement: COL4A4 is on the minus strand). VCF-style: chr2-227109246-T-A. GRCh37 (hg19) VCF-style: chr2-227973962-T-A.
Other names: short protein forms Y212F.
Identifiers: ClinVar variation 2112228 (VCV002112228.1), dbSNP rs777975866, ClinGen allele CA2145543.
Genomic context (GRCh38, chr2:227,109,246, plus strand): 5'-GGTTTTTAAAGGGATCACATCAGCAGTGCTGTACTTACCACTAACCCTGGCTCTCCAGGA[T>A]ATCCTGTGGGACCTGCCGGTCCTCCTGCACCCCAAGATCCCTAAACATGAGAAAAATCAG-3'
Protein context (NP_000083.3, residues 202-222): GAGGPAGPTG[Tyr212Phe]PGEPGLVGPP

ClinVar aggregate classification (germline): Uncertain significance (1 of 4 stars; one submission).

Allele frequency attached by ClinVar (database versions not stated): ExAC 0.00001; gnomAD 0.00001; 1000 Genomes Project 30x 0.00016.
gnomAD v4.1: 5 of 1,614,162 alleles (0.00031%); highest among the groups gnomAD compares: South Asian, 0.0055%; no homozygotes.

Submission:

Labcorp Genetics (formerly Invitae), Labcorp
Classification: Uncertain significance. Last evaluated: 2022-03-14. Review status: criteria provided, single submitter. Criteria: Invitae Variant Classification Sherloc (09022015). Collection method: clinical testing. Allele origin: germline.
Comment: This sequence change replaces tyrosine, which is neutral and polar, with phenylalanine, which is neutral and non-polar, at codon 212 of the COL4A4 protein (p.Tyr212Phe). This variant is present in population databases (rs777975866, gnomAD 0.003%). This variant has not been reported in the literature in individuals affected with COL4A4-related conditions. Advanced modeling of protein sequence and biophysical properties (such as structural, functional, and spatial information, amino acid conservation, physicochemical variation, residue mobility, and thermodynamic stability) performed at Invitae indicates that this missense variant is not expected to disrupt COL4A4 protein function. In summary, the available evidence is currently insufficient to determine the role of this variant in disease. Therefore, it has been classified as a Variant of Uncertain Significance.